The following is an entry in ClinVar:

ClinVar aggregate classification (germline): Conflicting classifications of pathogenicity. Review status: criteria provided, conflicting classifications (1 of 4 stars). 7 submissions from 7 submitters: Uncertain significance (1); Likely benign (4). 2 of the submissions do not count toward it. Last evaluated 2026-02-04.

Conditions:
NEB-related disorder. Also called: NEB-related condition; NEB-Related Disorders.
Nemaline myopathy 2 (NEM2). Also called: Nemaline myopathy 2, autosomal recessive. Identifiers: MedGen C1850569, MONDO:0009725, OMIM 256030.

Allele frequency attached by ClinVar (database versions not stated): gnomAD 0.00010; TOPMed 0.00020.
gnomAD v4.1: 558 of 1,613,342 alleles (0.035%); highest among the groups gnomAD compares: Non-Finnish European, 0.044%; no homozygotes.

Submissions (7):

Labcorp Genetics (formerly Invitae), Labcorp
Classification: Likely benign for Nemaline myopathy 2. Last evaluated: 2026-02-04. Review status: criteria provided, single submitter. Criteria: Invitae Variant Classification Sherloc (09022015). Collection method: clinical testing. Allele origin: germline.

Mayo Clinic Laboratories, Mayo Clinic
Classification: Likely benign. Last evaluated: 2025-11-20. Review status: criteria provided, single submitter. Criteria: ACMG Guidelines, 2015. Collection method: clinical testing. Allele origin: germline. Observed: 1 variant allele.
Comment: BP4, BP7

CeGaT Center for Human Genetics Tuebingen
Classification: Likely benign. Last evaluated: 2022-09-01. Review status: criteria provided, single submitter. Criteria: CeGaT Center For Human Genetics Tuebingen Variant Classification Criteria Version 2. Collection method: clinical testing. Allele origin: germline. Affected: yes. Observed: 1 variant allele.
Comment: NEB: BP4, BP7

GeneDx
Classification: Likely benign. Last evaluated: 2019-03-21. Review status: criteria provided, single submitter. Criteria: GeneDx Variant Classification Process June 2021. Collection method: clinical testing. Allele origin: germline. Affected: yes.

Illumina Laboratory Services, Illumina
Classification: Uncertain significance for Nemaline myopathy 2. Last evaluated: 2018-01-13. Review status: criteria provided, single submitter. Criteria: ICSL Variant Classification Criteria 13 December 2019. Collection method: clinical testing. Allele origin: germline.

PreventionGenetics, part of Exact Sciences
Classification: Likely benign for NEB-related condition. Last evaluated: 2023-05-19. Review status: no assertion criteria provided. Collection method: clinical testing. Allele origin: germline. Not counted in ClinVar's aggregate classification.
Comment: This variant is classified as likely benign based on ACMG/AMP sequence variant interpretation guidelines (Richards et al. 2015 PMID: 25741868, with internal and published modifications).

Natera, Inc.
Classification: Uncertain significance for Nemaline myopathy type 2. Last evaluated: 2020-01-17. Review status: no assertion criteria provided. Collection method: clinical testing. Allele origin: germline. Not counted in ClinVar's aggregate classification.

NM_001164508.2(NEB):c.6369G>A (p.Thr2123=)

Gene: NEB (nebulin; minus strand). Cytogenetic location: 2q23.3.
Variant type: single nucleotide variant.
Coding change: c.6369G>A on transcript NM_001164508.2 (MANE Select); coding-DNA position 6369, G replaced by A.
Protein change: p.Thr2123=; no amino-acid change (threonine 2123 retained).
Molecular consequence: synonymous variant.
Genome position (GRCh38, 1-based): chr2:151,656,279, C>T on the plus strand (G>A on the coding strand, the complement: NEB is on the minus strand). VCF-style: chr2-151656279-C-T. GRCh37 (hg19) VCF-style: chr2-152512793-C-T.
Other names: p.Thr2123=; c.6369G>A, p.Thr2123= (NM_001164507.2, NM_001271208.2, NM_004543.5).
Identifiers: ClinVar variation 331497 (VCV000331497.46), dbSNP rs540542570, ClinGen allele CA1910115.
Genomic context (GRCh38, chr2:151,656,279, plus strand): 5'-CTTGTGAATCAGGTGCTTGTAGTTAGTGTTGGTGATGTTGGCTTGGGCATCCTTTGCAGC[C>T]GTGACACTGAGCATGTCGGCAGGGGTGTGGTAGCTGGTCTTTGTGTTCTCATAGTTTTTC-3'
Protein context (NP_001157980.2, residues 2113-2133): YHTPADMLSV[Thr2123=]AAKDAQANIT